The following is an entry in ClinVar:

ClinVar aggregate classification (germline): Likely benign. Review status: criteria provided, multiple submitters, no conflicts (2 of 4 stars). 2 submissions from 2 submitters: Likely benign (2). Last evaluated 2024-09-06.

Conditions:
Amyotrophic neuralgia (HNA). Also called: AMYOTROPHY, HEREDITARY NEURALGIC; Hereditary Brachial Plexus Neuropathy; Neuritis with Brachial Predilection; AMYOTROPHY, HEREDITARY NEURALGIC, WITH PREDILECTION FOR BRACHIAL PLEXUS. Identifiers: Orphanet 2901, MedGen C1834304, MONDO:0008076, OMIM 162100.

Allele frequency attached by ClinVar (database versions not stated): gnomAD below 0.00001 and 0.00001; gnomAD exomes 0.00001; ExAC 0.00002; TOPMed 0.00002.
gnomAD v4.1: 17 of 1,612,924 alleles (0.0011%); highest among the groups gnomAD compares: South Asian, 0.011%; no homozygotes.

Submissions (2):

Labcorp Genetics (formerly Invitae), Labcorp
Classification: Likely benign. Last evaluated: 2024-09-06. Review status: criteria provided, single submitter. Criteria: Invitae Variant Classification Sherloc (09022015). Collection method: clinical testing. Allele origin: germline.

Illumina Laboratory Services, Illumina
Classification: Likely benign for Amyotrophy, hereditary neuralgic. Last evaluated: 2018-01-12. Review status: criteria provided, single submitter. Criteria: ICSL Variant Classification Criteria 13 December 2019. Collection method: clinical testing. Allele origin: germline.
Comment: This variant was observed in the ICSL laboratory as part of a predisposition screen in an ostensibly healthy population. It had not been previously curated by ICSL or reported in the Human Gene Mutation Database (HGMD: prior to June 1st, 2018), and was therefore a candidate for classification through an automated scoring system. Utilizing variant allele frequency, disease prevalence and penetrance estimates, and inheritance mode, an automated score was calculated to assess if this variant is too frequent to cause the disease. Based on the score and internal cut-off values, a variant classified as likely benign is not then subjected to further curation. The score for this variant resulted in a classification of likely benign for this disease.

NM_001113491.2(SEPTIN9):c.819G>A (p.Pro273=)

Gene: SEPTIN9 (septin 9; plus strand). Cytogenetic location: 17q25.3.
Variant type: single nucleotide variant.
Coding change: c.819G>A on transcript NM_001113491.2 (MANE Select); coding-DNA position 819, G replaced by A.
Protein change: p.Pro273=; no amino-acid change (proline 273 retained).
Molecular consequence: synonymous variant.
Genome position (GRCh38, 1-based): chr17:77,482,241, G>A. VCF-style: chr17-77482241-G-A. GRCh37 (hg19) VCF-style: chr17-75478323-G-A.
Other names: c.327G>A, p.Pro109= (NM_001113492.2, NM_001113494.1); c.798G>A, p.Pro266= (NM_001113493.2); c.66G>A, p.Pro22= (NM_001113495.2, NM_001113496.2, NM_001293697.2 and 1 more transcripts); c.762G>A, p.Pro254= (NM_001293695.2); c.147G>A, p.Pro49= (NM_001293696.2); c.765G>A, p.Pro255= (NM_006640.5).
Identifiers: ClinVar variation 325549 (VCV000325549.7), dbSNP rs751622773, ClinGen allele CA8793533.